The following is an entry in ClinVar:

ClinVar aggregate classification (germline): Uncertain significance. Review status: criteria provided, multiple submitters, no conflicts (2 of 4 stars). 2 submissions from 2 submitters: Uncertain significance (2). Last evaluated 2024-04-25.

Conditions:
Kabuki syndrome 1 (KABUK1). Also called: KMT2D-Related Kabuki Syndrome. Identifiers: Orphanet 2322, MedGen CN030661, MONDO:0007843, OMIM 147920.
Choanal atresia-athelia-hypothyroidism-delayed puberty-short stature syndrome (BCAHH). Also called: BRANCHIAL ARCH ABNORMALITIES, CHOANAL ATRESIA, ATHELIA, HEARING LOSS, AND HYPOTHYROIDISM SYNDROME. Identifiers: Orphanet 589856, MedGen C5680310, MONDO:0035651, OMIM 620186.
Kabuki syndrome. Also called: NIIKAWA-KUROKI SYNDROME; Kabuki make-up syndrome. Identifiers: Orphanet 2322, MedGen C0796004, MONDO:0016512.

Allele frequency attached by ClinVar (database versions not stated): gnomAD exomes below 0.00001; TOPMed 0.00001; gnomAD 0.00002.
gnomAD v4.1: 9 of 1,613,772 alleles (0.00056%); highest among the groups gnomAD compares: East Asian, 0.0022%; no homozygotes.

Submissions (2):

Fulgent Genetics
Classification: Uncertain significance for Kabuki syndrome 1; Choanal atresia-athelia-hypothyroidism-delayed puberty-short stature syndrome. Last evaluated: 2024-04-25. Review status: criteria provided, single submitter. Criteria: ACMG Guidelines, 2015. Collection method: clinical testing. Allele origin: germline.

Labcorp Genetics (formerly Invitae), Labcorp
Classification: Uncertain significance for Kabuki syndrome. Last evaluated: 2023-08-09. Review status: criteria provided, single submitter. Criteria: Invitae Variant Classification Sherloc (09022015). Collection method: clinical testing. Allele origin: germline.
Comment: This sequence change falls in intron 23 of the KMT2D gene. It does not directly change the encoded amino acid sequence of the KMT2D protein. The frequency data for this variant in the population databases is considered unreliable, as metrics indicate poor data quality at this position in the gnomAD database. This variant has not been reported in the literature in individuals affected with KMT2D-related conditions. ClinVar contains an entry for this variant (Variation ID: 2042364). Algorithms developed to predict the effect of sequence changes on RNA splicing suggest that this variant may disrupt the consensus splice site. In summary, the available evidence is currently insufficient to determine the role of this variant in disease. Therefore, it has been classified as a Variant of Uncertain Significance.

NM_003482.4(KMT2D):c.5468-4A>G

Gene: KMT2D (lysine methyltransferase 2D; minus strand). Cytogenetic location: 12q13.12.
Variant type: single nucleotide variant.
Coding change: c.5468-4A>G on transcript NM_003482.4 (MANE Select); 4 bases into the intron before coding-DNA position 5468, A replaced by G.
Molecular consequence: intron variant.
Genome position (GRCh38, 1-based): chr12:49,043,432, T>C on the plus strand (A>G on the coding strand, the complement: KMT2D is on the minus strand). VCF-style: chr12-49043432-T-C. GRCh37 (hg19) VCF-style: chr12-49437215-T-C.
Identifiers: ClinVar variation 2042364 (VCV002042364.5), dbSNP rs1478827662, ClinGen allele CA604885124.